The following is an entry in ClinVar:

ClinVar aggregate classification (germline): Uncertain significance (1 of 4 stars; one submission).

Conditions:
Dyskeratosis congenita. Identifiers: Orphanet 1775, MedGen C0265965, MONDO:0015780.

Submission:

Labcorp Genetics (formerly Invitae), Labcorp
Classification: Uncertain significance for Dyskeratosis congenita. Last evaluated: 2023-08-03. Review status: criteria provided, single submitter. Criteria: Invitae Variant Classification Sherloc (09022015). Collection method: clinical testing. Allele origin: germline.
Comment: In summary, the available evidence is currently insufficient to determine the role of this variant in disease. Therefore, it has been classified as a Variant of Uncertain Significance. Algorithms developed to predict the effect of sequence changes on RNA splicing suggest that this variant may disrupt the consensus splice site. This variant has not been reported in the literature in individuals affected with DKC1-related conditions. This variant is present in population databases (rs782157549, gnomAD 0.005%). This sequence change falls in intron 14 of the DKC1 gene. It does not directly change the encoded amino acid sequence of the DKC1 protein.

NM_001363.5(DKC1):c.1477-14_1477-11del

Gene: DKC1 (dyskerin pseudouridine synthase 1; plus strand). Cytogenetic location: Xq28.
Variant type: Deletion.
Coding change: c.1477-14_1477-11del on transcript NM_001363.5 (MANE Select); 14 bases into the intron before coding-DNA position 1477 through 11 bases into the intron before coding-DNA position 1477, 4 bases deleted (CTCT; older notation c.1477-14_1477-11delCTCT).
Molecular consequence: intron variant.
Genome position (GRCh38, 1-based): chrX:154,776,785-154,776,788, CTCT deleted; deleting any 4 consecutive bases within chrX:154,776,784-154,776,788 gives the same sequence; the c. name uses the placement nearest the transcript's 3' end. VCF-style (leftmost placement, unchanged base first): chrX-154776783-TTCTC-T. GRCh37 (hg19) VCF-style: chrX-154005058-TTCTC-T.
Other names: c.*703-14_*703-11del (NM_001288747.2); c.1462-14_1462-11del (NM_001142463.3).
Identifiers: ClinVar variation 2810735 (VCV002810735.3), dbSNP rs782157549, ClinGen allele CA10567294.